The following is an entry in ClinVar:

NM_198880.3(QRICH1):c.2203A>C (p.Asn735His)

Gene: QRICH1 (glutamine rich 1; minus strand). Cytogenetic location: 3p21.31.
Variant type: single nucleotide variant.
Coding change: c.2203A>C on transcript NM_198880.3 (MANE Select); coding-DNA position 2203, A replaced by C.
Protein change: p.Asn735His; replaces asparagine 735 with histidine.
Molecular consequence: missense variant.
Genome position (GRCh38, 1-based): chr3:49,030,580, T>G on the plus strand (A>C on the coding strand, the complement: QRICH1 is on the minus strand). VCF-style: chr3-49030580-T-G. GRCh37 (hg19) VCF-style: chr3-49068013-T-G.
Other names: c.2203A>C, p.Asn735His (NM_001320580.2, NM_001320581.2, NM_001320582.2 and 4 more transcripts); short protein forms N735H.
Identifiers: ClinVar variation 4628742 (VCV004628742.1).

ClinVar aggregate classification (germline): Uncertain significance (1 of 4 stars; one submission).

Conditions:
Inborn genetic diseases. Identifiers: MedGen C0950123, MeSH D030342.

gnomAD v4.1: 19 of 1,612,488 alleles (0.0012%); highest among the groups gnomAD compares: Non-Finnish European, 0.0016%; no homozygotes.

Submission:

Ambry Genetics
Classification: Uncertain significance for Inborn genetic diseases. Last evaluated: 2025-10-06. Review status: criteria provided, single submitter. Criteria: Ambry Variant Classification Scheme 2023. Collection method: clinical testing. Allele origin: germline.
Comment: The c.2203A>C (p.N735H) alteration is located in exon 11 (coding exon 9) of the QRICH1 gene. This alteration results from a A to C substitution at nucleotide position 2203, causing the asparagine (N) at amino acid position 735 to be replaced by a histidine (H). Based on data from gnomAD, the C allele has an overall frequency of 0.001% (3/249838) total alleles studied. The highest observed frequency was 0.003% (3/112968) of European (non-Finnish) alleles. Based on insufficient or conflicting evidence, the clinical significance of this alteration remains unclear.